The following is an entry in ClinVar:

NM_005120.3(MED12):c.3443G>T (p.Arg1148Leu)

Gene: MED12 (mediator complex subunit 12; plus strand). Cytogenetic location: Xq13.1.
Variant type: single nucleotide variant.
Coding change: c.3443G>T on transcript NM_005120.3 (MANE Select); coding-DNA position 3443, G replaced by T.
Protein change: p.Arg1148Leu; replaces arginine 1148 with leucine.
Molecular consequence: missense variant.
Genome position (GRCh38, 1-based): chrX:71,128,686, G>T. VCF-style: chrX-71128686-G-T. GRCh37 (hg19) VCF-style: chrX-70348536-G-T.
Other names: short protein forms R1148L.
Identifiers: ClinVar variation 519918 (VCV000519918.5), dbSNP rs387907360, ClinGen allele CA413519367.
Genomic context (GRCh38, chrX:71,128,686, plus strand): 5'-TGGCTACTTTTGTTGCCATCCTCATCGCTCGGCAGTGTTTGCTCCTGGAAGATCTGATTC[G>T]CTGTGCTGCCATCCCTTCACTCCTTAATGCTGGTGAACTACCAATCTGTAACCCCTAGCA-3'
Protein context (NP_005111.2, residues 1138-1158): RQCLLLEDLI[Arg1148Leu]CAAIPSLLNA

ClinVar aggregate classification (germline): Uncertain significance (1 of 4 stars; one submission).

Conditions:
Familial thoracic aortic aneurysm and aortic dissection (TAAD). Also called: Thoracic aortic aneurysms and dissections. Identifiers: Orphanet 91387, MedGen C4707243, MONDO:0019625.

Submission:

Ambry Genetics
Classification: Uncertain significance for Familial thoracic aortic aneurysm and aortic dissection. Last evaluated: 2017-11-24. Review status: criteria provided, single submitter. Criteria: Ambry Variant Classification Scheme 2023. Collection method: clinical testing. Allele origin: germline.
Comment: The p.R1148L variant (also known as c.3443G>T), located in coding exon 24 of the MED12 gene, results from a G to T substitution at nucleotide position 3443. The arginine at codon 1148 is replaced by leucine, an amino acid with dissimilar properties. Another alteration affecting this amino acid (p.R1148H) has been detected in families with Ohdo syndrome phenotype or related features (Vulto-van Silfhout AT et al. Am. J. Hum. Genet., 2013 Mar;92:401-6; Isidor B et al. Am. J. Med. Genet. A, 2014 Jul;164A:1821-5). This amino acid position is highly conserved in available vertebrate species. In addition, the in silico prediction for this alteration is inconclusive. Since supporting evidence is limited at this time, the clinical significance of this alteration remains unclear.

Literature cited by the submitters: PubMed 23395478; PubMed 24715367.